The following is an entry in ClinVar:

ClinVar aggregate classification (germline): Uncertain significance (1 of 4 stars; one submission).

Allele frequency attached by ClinVar (database versions not stated): gnomAD exomes below 0.00001 and 0.00001; gnomAD 0.00001; TOPMed 0.00002; ESP Exome Variant Server 0.00008.
gnomAD v4.1: 10 of 1,613,938 alleles (0.00062%); highest among the groups gnomAD compares: Admixed American, 0.0017%; no homozygotes.

Submission:

Labcorp Genetics (formerly Invitae), Labcorp
Classification: Uncertain significance. Last evaluated: 2022-03-18. Review status: criteria provided, single submitter. Criteria: Invitae Variant Classification Sherloc (09022015). Collection method: clinical testing. Allele origin: germline.
Comment: This sequence change replaces glycine, which is neutral and non-polar, with aspartic acid, which is acidic and polar, at codon 437 of the MTMR14 protein (p.Gly437Asp). This variant is present in population databases (rs377445755, gnomAD 0.0009%). This variant has not been reported in the literature in individuals affected with MTMR14-related conditions. Algorithms developed to predict the effect of missense changes on protein structure and function are either unavailable or do not agree on the potential impact of this missense change (SIFT: "Tolerated"; PolyPhen-2: "Probably Damaging"; Align-GVGD: "Class C0"). In summary, the available evidence is currently insufficient to determine the role of this variant in disease. Therefore, it has been classified as a Variant of Uncertain Significance.

NM_001077525.3(MTMR14):c.1310G>A (p.Gly437Asp)

Gene: MTMR14 (myotubularin related protein 14; plus strand). Cytogenetic location: 3p25.3.
Variant type: single nucleotide variant.
Coding change: c.1310G>A on transcript NM_001077525.3 (MANE Select); coding-DNA position 1310, G replaced by A.
Protein change: p.Gly437Asp; replaces glycine 437 with aspartic acid.
Molecular consequence: missense variant.
Genome position (GRCh38, 1-based): chr3:9,688,959, G>A. VCF-style: chr3-9688959-G-A. GRCh37 (hg19) VCF-style: chr3-9730643-G-A.
Other names: c.1310G>A, p.Gly437Asp (NM_001077526.3, NM_022485.5); short protein forms G437D.
Identifiers: ClinVar variation 1481971 (VCV001481971.8), dbSNP rs377445755, ClinGen allele CA69965290.
Genomic context (GRCh38, chr3:9,688,959, plus strand): 5'-GTGGGAGAAGGTAACACGCTGACTGATGGCACTGGCTTCTTTTAGGACGAAAGGACCGTG[G>A]CAGCACCACCAGCCTTGGCAGCGACTTCTCCCTGGTCATGGAGAGTTCCCCAGGAGCCAC-3'
Protein context (NP_001070993.1, residues 427-447): DICMLRRKDR[Gly437Asp]STTSLGSDFS